The following is an entry in ClinVar:

NM_001161352.2(KCNMA1):c.1596C>T (p.Ala532=)

Gene: KCNMA1 (potassium calcium-activated channel subfamily M alpha 1; minus strand). Cytogenetic location: 10q22.3.
Variant type: single nucleotide variant.
Coding change: c.1596C>T on transcript NM_001161352.2 (MANE Select); coding-DNA position 1596, C replaced by T.
Protein change: p.Ala532=; no amino-acid change (alanine 532 retained).
Molecular consequence: synonymous variant.
Genome position (GRCh38, 1-based): chr10:77,073,250, G>A on the plus strand (C>T on the coding strand, the complement: KCNMA1 is on the minus strand). VCF-style: chr10-77073250-G-A. GRCh37 (hg19) VCF-style: chr10-78833008-G-A.
Other names: c.1596C>T, p.Ala532= (NM_001014797.3, NM_001161353.2, NM_001271519.2 and 8 more transcripts); c.1434C>T, p.Ala478= (NM_001271518.2); c.1056C>T, p.Ala352= (NM_001322838.2).
Identifiers: ClinVar variation 3384891 (VCV003384891.1).
Genomic context (GRCh38, chr10:77,073,250, plus strand): 5'-TGCGAGGCAGATTGCGTCATCACCTTCTTTCCAATTCCAGCTCGGGATGTTTAGCAGATG[G>A]GCCTGGGGAAAGAAAAGCAGGTATGAGACCTTGCTCTGTTAAATGTTCAATTGTTTAACA-3'
Protein context (NP_001154824.1, residues 522-542): ITQMLQYHNK[Ala532=]HLLNIPSWNW

ClinVar aggregate classification (germline): Uncertain significance (1 of 4 stars; one submission).

Submission:

Women's Health and Genetics/Laboratory Corporation of America, LabCorp
Classification: Uncertain significance. Last evaluated: 2024-10-07. Review status: criteria provided, single submitter. Criteria: LabCorp Variant Classification Summary - May 2015. Collection method: clinical testing. Allele origin: germline.
Comment: Variant summary: KCNMA1 c.1596C>T (p.Ala532Ala) alters a non-conserved nucleotide located close to a canonical splice site and therefore could affect mRNA splicing, leading to a significantly altered protein sequence. Consensus agreement among computation tools predict no significant impact on normal splicing. However, these predictions have yet to be confirmed by functional studies. The variant was absent in 251368 control chromosomes. The available data on variant occurrences in the general population are insufficient to allow any conclusion about variant significance. To our knowledge, no occurrence of c.1596C>T in individuals affected with Paroxysmal Nonkinesigenic Dyskinesia, 3, With Or Without Generalized Epilepsy and no experimental evidence demonstrating its impact on protein function have been reported. No submitters have cited clinical-significance assessments for this variant to ClinVar. Based on the evidence outlined above, the variant was classified as uncertain significance.